The following is an entry in ClinVar:

ClinVar aggregate classification (germline): Benign (1 of 4 stars; one submission).

Allele frequency attached by ClinVar (database versions not stated): TOPMed 0.05266; gnomAD 0.05573 and 0.05864; 1000 Genomes Project 30x 0.07105; 1000 Genomes Project 0.07149.
gnomAD v4.1: 8,917 of 152,294 alleles (5.9%); highest among the groups gnomAD compares: South Asian, 12%; 340 homozygotes.

Submission:

GeneDx
Classification: Benign. Last evaluated: 2018-06-19. Review status: criteria provided, single submitter. Criteria: GeneDx Variant Classification (06012015). Collection method: clinical testing. Allele origin: germline. Affected: yes.
Comment: This variant is considered likely benign or benign based on one or more of the following criteria: it is a conservative change, it occurs at a poorly conserved position in the protein, it is predicted to be benign by multiple in silico algorithms, and/or has population frequency not consistent with disease.

NM_014795.4(ZEB2):c.917-275T>C

Gene: ZEB2 (zinc finger E-box binding homeobox 2; minus strand). Cytogenetic location: 2q22.3.
Variant type: single nucleotide variant.
Coding change: c.917-275T>C on transcript NM_014795.4 (MANE Select); 275 bases into the intron before coding-DNA position 917, T replaced by C.
Molecular consequence: intron variant.
Genome position (GRCh38, 1-based): chr2:144,400,545, A>G on the plus strand (T>C on the coding strand, the complement: ZEB2 is on the minus strand). VCF-style: chr2-144400545-A-G. GRCh37 (hg19) VCF-style: chr2-145158112-A-G.
Other names: c.845-275T>C (NM_001171653.2).
Identifiers: ClinVar variation 668872 (VCV000668872.1), dbSNP rs77239950, ClinGen allele CA11032493.